The following is an entry in ClinVar:

NM_001042492.3(NF1):c.5135del (p.Pro1712fs)

Gene: NF1 (neurofibromin 1; plus strand). Cytogenetic location: 17q11.2.
Variant type: Deletion.
Coding change: c.5135del on transcript NM_001042492.3 (MANE Select); coding-DNA position 5135, one base deleted (C; older notation c.5135delC).
Protein change: p.Pro1712fs; shifts the reading frame from proline 1712.
Molecular consequence: frameshift variant.
Genome position (GRCh38, 1-based): chr17:31,326,119, C deleted; the last of 2 consecutive C bases (chr17:31,326,118-31,326,119); deleting either gives the same sequence. VCF-style (leftmost placement, unchanged base first): chr17-31326117-TC-T. GRCh37 (hg19) VCF-style: chr17-29653135-TC-T.
Other names: c.5072delC, p.Pro1691Leufs (NM_000267.4); short protein forms P1691fs, P1712fs.
Identifiers: ClinVar variation 1452688 (VCV001452688.6), dbSNP rs2151538630, ClinGen allele CA2547069200.

ClinVar aggregate classification (germline): Pathogenic (1 of 4 stars; one submission).

Conditions:
Neurofibromatosis, type 1 (NF1). Also called: Neurofibromatosis, type I; VON RECKLINGHAUSEN DISEASE; NEUROFIBROMATOSIS, TYPE I, SOMATIC; Peripheral type neurofibromatosis. Identifiers: Orphanet 636, MedGen C0027831, MONDO:0018975, OMIM 162200. Disease mechanism: loss of function.

Submission:

Labcorp Genetics (formerly Invitae), Labcorp
Classification: Pathogenic for Neurofibromatosis, type 1. Last evaluated: 2021-10-13. Review status: criteria provided, single submitter. Criteria: Invitae Variant Classification Sherloc (09022015). Collection method: clinical testing. Allele origin: germline.
Comment: For these reasons, this variant has been classified as Pathogenic. This variant has not been reported in the literature in individuals affected with NF1-related conditions. This variant is not present in population databases (ExAC no frequency). This sequence change creates a premature translational stop signal (p.Pro1691Leufs*8) in the NF1 gene. It is expected to result in an absent or disrupted protein product. Loss-of-function variants in NF1 are known to be pathogenic (PMID: 10712197, 23913538).

Literature cited by the submitters: PubMed 10712197; PubMed 23913538.